The following is an entry in ClinVar:

ClinVar aggregate classification (germline): Likely pathogenic (1 of 4 stars; one submission).

Conditions:
Aromatase deficiency. Also called: PSEUDOHERMAPHRODITISM, FEMALE, DUE TO PLACENTAL AROMATASE DEFICIENCY; Increased aromatase activity. Identifiers: Orphanet 91, MedGen C1960539, MONDO:0013301, OMIM 613546.

gnomAD v4.1: 5 of 1,614,178 alleles (0.00031%); highest among the groups gnomAD compares: Non-Finnish European, 0.00042%; no homozygotes.

Submission:

Natera, Inc.
Classification: Likely pathogenic for Aromatase deficiency. Last evaluated: 2025-06-18. Review status: criteria provided, single submitter. Criteria: Natera Variant Classification Schema (03/2026). Collection method: clinical testing. Allele origin: germline.
Comment: The c.575G>A variant in CYP19A1 is a missense variant predicted to cause substitution of arginine to histidine at amino acid 192. This variant is rare in the general population with a frequency below the threshold expected for the associated phenotype(s). This variant has been observed in one or more individuals affected with the associated recessive disease, as either homozygous or compound heterozygous with a second variant (PMID: 24705274). This variant has been observed to segregate in affected family members (PMID: 24705274). Functional studies show that this variant may disrupt protein function (PMID: 24705274). A different variant at the same position has been determined to be Pathogenic or Likely Pathogenic. Computational prediction algorithms indicate this variant is likely to affect gene or protein function. Given the available evidence, this variant is classified as Likely Pathogenic.

Literature cited by the submitters: PubMed 24705274.

NM_000103.4(CYP19A1):c.575G>A (p.Arg192His)

Genes: CYP19A1 (cytochrome P450 family 19 subfamily A member 1; minus strand), PIRC66 (piwi-interacting RNA cluster 66; plus strand), MIR4713HG (MIR4713 host gene; plus strand). Cytogenetic location: 15q21.2.
Variant type: single nucleotide variant.
Coding change: c.575G>A on transcript NM_000103.4 (MANE Select); coding-DNA position 575, G replaced by A.
Protein change: p.Arg192His; replaces arginine 192 with histidine.
Molecular consequence: missense variant.
Genome position (GRCh38, 1-based): chr15:51,222,402, C>T on the plus strand (G>A on the coding strand, the complement: CYP19A1 is on the minus strand). VCF-style: chr15-51222402-C-T. GRCh37 (hg19) VCF-style: chr15-51514599-C-T.
Other names: c.575G>A, p.Arg192His (NM_001347248.1, NM_001347249.2, NM_001347250.2 and 7 more transcripts); short protein forms R192H.
Identifiers: ClinVar variation 4816273 (VCV004816273.1).